The following is an entry in ClinVar:

NM_001167.4(XIAP):c.389_392del (p.Asp130fs)

Gene: XIAP (X-linked inhibitor of apoptosis; plus strand). Cytogenetic location: Xq25.
Variant type: Deletion.
Coding change: c.389_392del on transcript NM_001167.4 (MANE Select); coding-DNA positions 389 to 392, 4 bases deleted (ACAG; older notation c.389_392delACAG).
Protein change: p.Asp130fs; shifts the reading frame from aspartic acid 130.
Molecular consequence: frameshift variant.
Genome position (GRCh38, 1-based): chrX:123,886,051-123,886,054, ACAG deleted; deleting any 4 consecutive bases within chrX:123,886,049-123,886,054 gives the same sequence; the c. name uses the placement nearest the transcript's 3' end. VCF-style (leftmost placement, unchanged base first): chrX-123886048-TAGAC-T. GRCh37 (hg19) VCF-style: chrX-123019898-TAGAC-T.
Other names: c.389_392del, p.Asp130fs (NM_001204401.2, NM_001378590.1, NM_001378591.1 and 1 more transcripts); c.389_392delACAG (NM_001167.3); short protein forms D130fs.
Identifiers: ClinVar variation 533654 (VCV000533654.10), dbSNP rs1556404575, ClinGen allele CA658799862.
Genomic context (GRCh38, chrX:123,886,048, plus strand): 5'-GTATCCAGAATGGTCAGTACAAAGTTGAAAACTATCTGGGAAGCAGAGATCATTTTGCCT[TAGAC>T]AGGCCATCTGAGACACATGCAGACTATCTTTTGAGAACTGGGCAGGTTGTAGATATATCA-3'

ClinVar aggregate classification (germline): Pathogenic. Review status: criteria provided, multiple submitters, no conflicts (2 of 4 stars). 3 submissions from 3 submitters: Pathogenic (3). Last evaluated 2025-10-23.

Conditions:
Inborn genetic diseases. Identifiers: MedGen C0950123, MeSH D030342.
X-linked lymphoproliferative disease due to XIAP deficiency. Also called: XIAP-Related Lymphoproliferative Disease, X-Linked; XIAP DEFICIENCY. Identifiers: Orphanet 2442, Orphanet 538934, MedGen C1845076, MONDO:0010385, OMIM 300635.

Submissions (3):

Ambry Genetics
Classification: Pathogenic for Inborn genetic diseases. Last evaluated: 2025-10-23. Review status: criteria provided, single submitter. Criteria: Ambry Variant Classification Scheme 2023. Collection method: clinical testing. Allele origin: germline.
Comment: The c.389_392delACAG (p.D130Gfs*11) alteration, located in exon 2 (coding exon 1) of the XIAP gene, consists of a deletion of 4 nucleotides from position 389 to 392, causing a translational frameshift with a predicted alternate stop codon after 11 amino acids. This alteration is expected to result in loss of function by premature protein truncation or nonsense-mediated mRNA decay. This variant was not reported in population-based cohorts in the Genome Aggregation Database (gnomAD). This variant was reported in individual(s) with features consistent with XIAP-related lymphoproliferative syndrome (Pachlopnik Schmid, 2011; Marsh, 2013; Chen, 2018; Ono, 2018; Kuzmenko, 2024). Note, this variant is also referred to as 387_390del and D130GfsX140 in the literature. Based on the available evidence, this alteration is classified as pathogenic.

Labcorp Genetics (formerly Invitae), Labcorp
Classification: Pathogenic for X-linked lymphoproliferative disease due to XIAP deficiency. Last evaluated: 2017-10-27. Review status: criteria provided, single submitter. Criteria: Invitae Variant Classification Sherloc (09022015). Collection method: clinical testing. Allele origin: germline.
Comment: This variant has been reported in several individuals affected with XIAP deficiency (PMID:21119115, 23131490). This variant is also known as 387_390del and D130GfsX140 in the literature. This variant is not present in population databases (ExAC no frequency). This sequence change creates a premature translational stop signal (p.Asp130Glyfs*11) in the XIAP gene. It is expected to result in an absent or disrupted protein product. For these reasons, this variant has been classified as Pathogenic. Loss-of-function variants in XIAP are known to be pathogenic (PMID: 17080092, 21119115, 25666262).

Institute of Human Genetics, University of Leipzig Medical Center
Classification: Pathogenic for X-linked lymphoproliferative disease due to XIAP deficiency. Last evaluated: 2017-01-01. Review status: criteria provided, single submitter. Criteria: ACMG Guidelines, 2015. Collection method: clinical testing. Allele origin: germline. Affected: yes. Observed: 1 variant allele.

Literature cited by the submitters: PubMed 21119115 (cited by Ambry Genetics and Labcorp Genetics (formerly Invitae), Labcorp); PubMed 23131490 (cited by Ambry Genetics and Labcorp Genetics (formerly Invitae), Labcorp); PubMed 29665027 (cited by Ambry Genetics); PubMed 29777376 (cited by Ambry Genetics); PubMed 39052144 (cited by Ambry Genetics); PubMed 17080092 (cited by Labcorp Genetics (formerly Invitae), Labcorp); PubMed 25666262 (cited by Labcorp Genetics (formerly Invitae), Labcorp).